The following is an entry in ClinVar:

NM_019098.5(CNGB3):c.2020A>G (p.Lys674Glu)

Gene: CNGB3 (cyclic nucleotide gated channel subunit beta 3; minus strand). Cytogenetic location: 8q21.3.
Variant type: single nucleotide variant.
Coding change: c.2020A>G on transcript NM_019098.5 (MANE Select); coding-DNA position 2020, A replaced by G.
Protein change: p.Lys674Glu; replaces lysine 674 with glutamic acid.
Molecular consequence: missense variant.
Genome position (GRCh38, 1-based): chr8:86,578,772, T>C on the plus strand (A>G on the coding strand, the complement: CNGB3 is on the minus strand). VCF-style: chr8-86578772-T-C. GRCh37 (hg19) VCF-style: chr8-87591000-T-C.
Other names: short protein forms K674E.
Identifiers: ClinVar variation 2168301 (VCV002168301.1), dbSNP rs2538027699, ClinGen allele CA371447384.

ClinVar aggregate classification (germline): Uncertain significance (1 of 4 stars; one submission).

Allele frequency attached by ClinVar (database versions not stated): gnomAD exomes below 0.00001.
gnomAD v4.1: 3 of 1,614,128 alleles (0.00019%); highest among the groups gnomAD compares: Non-Finnish European, 0.00025%; no homozygotes.

Submission:

Labcorp Genetics (formerly Invitae), Labcorp
Classification: Uncertain significance. Last evaluated: 2022-03-03. Review status: criteria provided, single submitter. Criteria: Invitae Variant Classification Sherloc (09022015). Collection method: clinical testing. Allele origin: germline.
Comment: This sequence change replaces lysine, which is basic and polar, with glutamic acid, which is acidic and polar, at codon 674 of the CNGB3 protein (p.Lys674Glu). This variant is not present in population databases (gnomAD no frequency). This variant has not been reported in the literature in individuals affected with CNGB3-related conditions. Advanced modeling of protein sequence and biophysical properties (such as structural, functional, and spatial information, amino acid conservation, physicochemical variation, residue mobility, and thermodynamic stability) performed at Invitae indicates that this missense variant is not expected to disrupt CNGB3 protein function. In summary, the available evidence is currently insufficient to determine the role of this variant in disease. Therefore, it has been classified as a Variant of Uncertain Significance.